The following is an entry in ClinVar:

ClinVar aggregate classification (germline): Conflicting classifications of pathogenicity. Review status: criteria provided, conflicting classifications (1 of 4 stars). 5 submissions from 5 submitters: Uncertain significance (3); Benign (1); Likely benign (1). Last evaluated 2026-01-19.

Conditions:
Lung cancer. Also called: Lung cancer, somatic; Malignant tumor of lung. Identifiers: MedGen C0242379, MONDO:0008903, OMIM 211980.
Inflammatory skin and bowel disease, neonatal, 2 (NNCIS). Identifiers: Orphanet 294023, MedGen C4015130, MONDO:0014481, OMIM 616069.
Hereditary cancer. Identifiers: MedGen C1333600.
EGFR-related disorder. Also called: EGFR-related condition.
Hereditary cancer-predisposing syndrome. Also called: Neoplastic Syndromes, Hereditary; Hereditary Cancer Syndrome; Tumor predisposition; Hereditary neoplastic syndrome. Identifiers: Orphanet 140162, MedGen C0027672, MeSH D009386, MONDO:0015356.
EGFR-related lung cancer (EGFR). Identifiers: MedGen CN130014.

Allele frequency attached by ClinVar (database versions not stated): ExAC 0.00003; gnomAD exomes 0.00004; ESP Exome Variant Server 0.00015; 1000 Genomes Project 30x 0.00016; gnomAD 0.00017 and 0.00019; 1000 Genomes Project 0.00020; TOPMed 0.00022.
gnomAD v4.1: 63 of 1,614,276 alleles (0.0039%); highest among the groups gnomAD compares: African/African-American, 0.08%; no homozygotes.

Submissions (5):

Labcorp Genetics (formerly Invitae), Labcorp
Classification: Uncertain significance for EGFR-related lung cancer. Last evaluated: 2026-01-19. Review status: criteria provided, single submitter. Criteria: Invitae Variant Classification Sherloc (09022015). Collection method: clinical testing. Allele origin: germline.
Comment: This sequence change replaces glutamic acid, which is acidic and polar, with aspartic acid, which is acidic and polar, at codon 519 of the EGFR protein (p.Glu519Asp). This variant is present in population databases (rs116057045, gnomAD 0.06%). This variant has not been reported in the literature in individuals affected with EGFR-related conditions. ClinVar contains an entry for this variant (Variation ID: 857836). Invitae Evidence Modeling of protein sequence and biophysical properties (such as structural, functional, and spatial information, amino acid conservation, physicochemical variation, residue mobility, and thermodynamic stability) indicates that this missense variant is not expected to disrupt EGFR protein function with a negative predictive value of 80%. In summary, the available evidence is currently insufficient to determine the role of this variant in disease. Therefore, it has been classified as a Variant of Uncertain Significance.

PreventionGenetics, part of Exact Sciences
Classification: Uncertain significance for EGFR-related condition. Last evaluated: 2025-06-17. Review status: criteria provided, single submitter. Criteria: ACMG Guidelines, 2015. Collection method: clinical testing. Allele origin: germline.
Comment: The EGFR c.1557G>T variant is predicted to result in the amino acid substitution p.Glu519Asp. To our knowledge, this variant has not been reported in the literature. This variant is reported in 0.068% of alleles in individuals of African descent in gnomAD. This variant is interpreted as a variant of uncertain significance or likely benign in ClinVar. Although we suspect that this variant may be benign, at this time, the clinical significance of this variant is uncertain due to the absence of conclusive functional and genetic evidence.

Ambry Genetics
Classification: Benign for Hereditary cancer-predisposing syndrome. Last evaluated: 2024-10-28. Review status: criteria provided, single submitter. Criteria: Ambry Variant Classification Scheme 2023. Collection method: clinical testing. Allele origin: germline.

Fulgent Genetics
Classification: Uncertain significance for Lung cancer; Inflammatory skin and bowel disease, neonatal, 2. Last evaluated: 2024-04-16. Review status: criteria provided, single submitter. Criteria: ACMG Guidelines, 2015. Collection method: clinical testing. Allele origin: germline.

Mendelics
Classification: Likely benign for Hereditary cancer. Last evaluated: 2024-01-23. Review status: criteria provided, single submitter. Criteria: ACMG Guidelines, 2015. Collection method: clinical testing. Allele origin: unknown.

NM_005228.5(EGFR):c.1557G>T (p.Glu519Asp)

Gene: EGFR (epidermal growth factor receptor; plus strand). Cytogenetic location: 7p11.2.
Variant type: single nucleotide variant.
Coding change: c.1557G>T on transcript NM_005228.5 (MANE Select); coding-DNA position 1557, G replaced by T.
Protein change: p.Glu519Asp; replaces glutamic acid 519 with aspartic acid.
Molecular consequence: missense variant.
Genome position (GRCh38, 1-based): chr7:55,161,557, G>T. VCF-style: chr7-55161557-G-T. GRCh37 (hg19) VCF-style: chr7-55229250-G-T.
Other names: c.1557G>T (NM_005228.4); c.1422G>T, p.Glu474Asp (NM_001346897.2, NM_001346899.2); c.1557G>T, p.Glu519Asp (NM_001346898.2, NM_201282.2, NM_201284.2); c.1398G>T, p.Glu466Asp (NM_001346900.2); c.756G>T, p.Glu252Asp (NM_001346941.2); short protein forms E519D, E252D, E466D, E474D.
Identifiers: ClinVar variation 857836 (VCV000857836.13), dbSNP rs116057045, ClinGen allele CA4265616.